The following is an entry in ClinVar:

NM_001844.5(COL2A1):c.1327C>G (p.Gln443Glu)

Gene: COL2A1 (collagen type II alpha 1 chain; minus strand). Cytogenetic location: 12q13.11.
Variant type: single nucleotide variant.
Coding change: c.1327C>G on transcript NM_001844.5 (MANE Select); coding-DNA position 1327, C replaced by G.
Protein change: p.Gln443Glu; replaces glutamine 443 with glutamic acid.
Molecular consequence: missense variant.
Genome position (GRCh38, 1-based): chr12:47,987,116, G>C on the plus strand (C>G on the coding strand, the complement: COL2A1 is on the minus strand). VCF-style: chr12-47987116-G-C. GRCh37 (hg19) VCF-style: chr12-48380899-G-C.
Other names: c.1120C>G, p.Gln374Glu (NM_033150.3); short protein forms Q374E, Q443E.
Identifiers: ClinVar variation 4747070 (VCV004747070.1).
Genomic context (GRCh38, chr12:47,987,116, plus strand): 5'-GGGGGTCACTTTGGGCTCTTACCGTCTGACCTTTCGGGCCCAGAGGACCAGTTGCACCTT[G>C]AGGGCCAGGAGGGCCCCGTGGCCCAGGGAAGCCAGGAGCACCAGCAATGCCAGGAGCACC-3'
Protein context (NP_001835.3, residues 433-453): FPGPRGPPGP[Gln443Glu]GATGPLGPKG

ClinVar aggregate classification (germline): Uncertain significance (1 of 4 stars; one submission).

gnomAD v4.1: 1 of 1,614,128 alleles (0.000062%); highest among the groups gnomAD compares: Non-Finnish European, 0.000085%; no homozygotes.

Submission:

Labcorp Genetics (formerly Invitae), Labcorp
Classification: Uncertain significance. Last evaluated: 2025-12-15. Review status: criteria provided, single submitter. Criteria: Invitae Variant Classification Sherloc (09022015). Collection method: clinical testing. Allele origin: germline.
Comment: This sequence change replaces glutamine, which is neutral and polar, with glutamic acid, which is acidic and polar, at codon 443 of the COL2A1 protein (p.Gln443Glu). This variant is not present in population databases (gnomAD no frequency). This variant has not been reported in the literature in individuals affected with COL2A1-related conditions. Invitae Evidence Modeling of protein sequence and biophysical properties (such as structural, functional, and spatial information, amino acid conservation, physicochemical variation, residue mobility, and thermodynamic stability) indicates that this missense variant is not expected to disrupt COL2A1 protein function with a negative predictive value of 95%. In summary, the available evidence is currently insufficient to determine the role of this variant in disease. Therefore, it has been classified as a Variant of Uncertain Significance.